The following is an entry in ClinVar:

NM_017780.4(CHD7):c.2520_2521delinsTC (p.Trp840_Ala841delinsCysPro)

Gene: CHD7 (chromodomain helicase DNA binding protein 7; plus strand). Cytogenetic location: 8q12.2.
Variant type: Indel.
Coding change: c.2520_2521delinsTC on transcript NM_017780.4 (MANE Select); coding-DNA positions 2520 to 2521, GG replaced by TC.
Protein change: p.Trp840_Ala841delinsCysPro.
Molecular consequence: missense variant. On other transcripts: intron variant (1).
Genome position (GRCh38, 1-based): chr8:60,816,408-60,816,409, GG replaced by TC. VCF-style: chr8-60816408-GG-TC. GRCh37 (hg19) VCF-style: chr8-61728967-GG-TC.
Other names: c.1716+35358_1716+35359delinsTC (NM_001316690.1).
Identifiers: ClinVar variation 589537 (VCV000589537.5), dbSNP rs1563625272, ClinGen allele CA891843172.
Genomic context (GRCh38, chr8:60,816,408, plus strand): 5'-TATTCTACATATTTCAAGGATATTGTTTTGTTCTTTCAGCTCTTATCTTCATTGTCAGTG[GG>TC]CATCTATAGAAGATCTGGAAAAAGATAAGAGAATTCAGCAAAAAATTAAACGATTTAAGG-3'

ClinVar aggregate classification (germline): Uncertain significance (1 of 4 stars; one submission).

Conditions:
Inborn genetic diseases. Identifiers: MedGen C0950123, MeSH D030342.

Submission:

Ambry Genetics
Classification: Uncertain significance for Inborn genetic diseases. Last evaluated: 2017-02-22. Review status: criteria provided, single submitter. Criteria: Ambry Variant Classification Scheme 2023. Collection method: clinical testing. Allele origin: germline.
Comment: The c.2520_2521delGGinsTC variant, located in coding exon 7 of the CHD7 gene, results from an in-frame deletion of GG and insertion of TC at nucleotide positions 2520 to 2521. This results in the substitution of the residue for a residue at codon 840, an amino acid with highly similar properties. A similar alteration, p.W840C, was detected as de novo in an individual meeting criteria for a probable diagnosis of CHARGE syndrome (Janssen N et al. Hum. Mutat., 2012 Aug;33:1149-60). These amino acid positions are highly conserved in available vertebrate species. Since supporting evidence is limited at this time, the clinical significance of this alteration remains unclear.

Literature cited by the submitters: PubMed 22461308; PubMed 22539353.